The following is an entry in ClinVar:

ClinVar aggregate classification (germline): Uncertain significance. Review status: criteria provided, multiple submitters, no conflicts (2 of 4 stars). 2 submissions from 2 submitters: Uncertain significance (2). Last evaluated 2024-06-04.

Conditions:
Hereditary cancer-predisposing syndrome. Also called: Hereditary neoplastic syndrome; Neoplastic Syndromes, Hereditary; Tumor predisposition; Hereditary Cancer Syndrome. Identifiers: Orphanet 140162, MedGen C0027672, MeSH D009386, MONDO:0015356.
Chuvash polycythemia. Also called: POLYCYTHEMIA, VHL-DEPENDENT. Identifiers: Orphanet 238557, MedGen C1837915, MONDO:0009892, OMIM 263400.
Von Hippel-Lindau syndrome (VHLS). Also called: von Hippel–Lindau syndrome; Von Hippel-Lindau; VHL syndrome. Identifiers: Orphanet 892, MedGen C0019562, MONDO:0008667, OMIM 193300. Disease mechanism: loss of function.

gnomAD v4.1: 1 of 1,533,598 alleles (0.000065%); highest among the groups gnomAD compares: Non-Finnish European, 0.000088%; no homozygotes.

Submissions (2):

Ambry Genetics
Classification: Uncertain significance for Hereditary cancer-predisposing syndrome. Last evaluated: 2024-06-04. Review status: criteria provided, single submitter. Criteria: Ambry Variant Classification Scheme 2023. Collection method: clinical testing. Allele origin: germline.
Comment: The p.E10G variant (also known as c.29A>G), located in coding exon 1 of the VHL gene, results from an A to G substitution at nucleotide position 29. The glutamic acid at codon 10 is replaced by glycine, an amino acid with similar properties. This amino acid position is well conserved in available vertebrate species. In addition, this alteration is predicted to be tolerated by in silico analysis. Based on the available evidence, the clinical significance of this variant remains unclear.

Labcorp Genetics (formerly Invitae), Labcorp
Classification: Uncertain significance for Von Hippel-Lindau syndrome; Chuvash polycythemia. Last evaluated: 2020-12-16. Review status: criteria provided, single submitter. Criteria: Invitae Variant Classification Sherloc (09022015). Collection method: clinical testing. Allele origin: germline.
Comment: In summary, the available evidence is currently insufficient to determine the role of this variant in disease. Therefore, it has been classified as a Variant of Uncertain Significance. Algorithms developed to predict the effect of missense changes on protein structure and function output the following: SIFT: "Deleterious"; PolyPhen-2: "Benign"; Align-GVGD: "Class C0". The glycine amino acid residue is found in multiple mammalian species, suggesting that this missense change does not adversely affect protein function. These predictions have not been confirmed by published functional studies and their clinical significance is uncertain. This variant has not been reported in the literature in individuals with VHL-related conditions. The frequency data for this variant in the population databases is considered unreliable, as metrics indicate insufficient coverage at this position in the ExAC database. This sequence change replaces glutamic acid with glycine at codon 10 of the VHL protein (p.Glu10Gly). The glutamic acid residue is moderately conserved and there is a moderate physicochemical difference between glutamic acid and glycine.

NM_000551.4(VHL):c.29A>G (p.Glu10Gly)

Gene: VHL (von Hippel-Lindau tumor suppressor; plus strand). Cytogenetic location: 3p25.3.
Variant type: single nucleotide variant.
Coding change: c.29A>G on transcript NM_000551.4 (MANE Select); coding-DNA position 29, A replaced by G.
Protein change: p.Glu10Gly; replaces glutamic acid 10 with glycine.
Molecular consequence: missense variant.
Genome position (GRCh38, 1-based): chr3:10,141,876, A>G. VCF-style: chr3-10141876-A-G. GRCh37 (hg19) VCF-style: chr3-10183560-A-G.
Other names: c.29A>G (NM_000551.3); c.29A>G, p.Glu10Gly (NM_001354723.2, NM_198156.3); short protein forms E10G.
Identifiers: ClinVar variation 1005487 (VCV001005487.12), dbSNP rs786204065, ClinGen allele CA351747095.
Genomic context (GRCh38, chr3:10,141,876, plus strand): 5'-GTCCGGCCCGGGTGGTCTGGATCGCGGAGGGAATGCCCCGGAGGGCGGAGAACTGGGACG[A>G]GGCCGAGGTAGGCGCGGAGGAGGCAGGCGTCGAAGAGTACGGCCCTGAAGAAGACGGCGG-3'
Protein context (NP_000542.1, residues 1-20): MPRRAENWD[Glu10Gly]AEVGAEEAGV